The following is an entry in ClinVar:

ClinVar aggregate classification (germline): Uncertain significance (1 of 4 stars; one submission).

gnomAD v4.1: 7 of 1,613,316 alleles (0.00043%); highest among the groups gnomAD compares: Non-Finnish European, 0.00051%; no homozygotes.

Submission:

Labcorp Genetics (formerly Invitae), Labcorp
Classification: Uncertain significance. Last evaluated: 2025-07-25. Review status: criteria provided, single submitter. Criteria: Invitae Variant Classification Sherloc (09022015). Collection method: clinical testing. Allele origin: germline.
Comment: This sequence change replaces proline, which is neutral and non-polar, with serine, which is neutral and polar, at codon 1035 of the COL4A3 protein (p.Pro1035Ser). This variant is present in population databases (rs773788933, gnomAD 0.002%). This variant has not been reported in the literature in individuals affected with COL4A3-related conditions. Invitae Evidence Modeling of protein sequence and biophysical properties (such as structural, functional, and spatial information, amino acid conservation, physicochemical variation, residue mobility, and thermodynamic stability) has been performed for this missense variant. However, the output from this modeling did not meet the statistical confidence thresholds required to predict the impact of this variant on COL4A3 protein function. In summary, the available evidence is currently insufficient to determine the role of this variant in disease. Therefore, it has been classified as a Variant of Uncertain Significance.

NM_000091.5(COL4A3):c.3103C>T (p.Pro1035Ser)

Genes: COL4A3 (collagen type IV alpha 3 chain; plus strand), MFF-DT (MFF divergent transcript; minus strand). Cytogenetic location: 2q36.3.
Variant type: single nucleotide variant.
Coding change: c.3103C>T on transcript NM_000091.5 (MANE Select); coding-DNA position 3103, C replaced by T.
Protein change: p.Pro1035Ser; replaces proline 1035 with serine.
Molecular consequence: missense variant.
Genome position (GRCh38, 1-based): chr2:227,290,779, C>T. VCF-style: chr2-227290779-C-T. GRCh37 (hg19) VCF-style: chr2-228155495-C-T.
Other names: short protein forms P1035S.
Identifiers: ClinVar variation 4710313 (VCV004710313.1).